The following is an entry in ClinVar:

NM_001122772.3(AGAP2):c.1167T>C (p.Pro389=)

Gene: AGAP2 (ArfGAP with GTPase domain, ankyrin repeat and PH domain 2; minus strand). Cytogenetic location: 12q14.1.
Variant type: single nucleotide variant.
Coding change: c.1167T>C on transcript NM_001122772.3 (MANE Select); coding-DNA position 1167, T replaced by C.
Protein change: p.Pro389=; no amino-acid change (proline 389 retained).
Molecular consequence: synonymous variant. On other transcripts: intron variant (1).
Genome position (GRCh38, 1-based): chr12:57,737,080, A>G on the plus strand (T>C on the coding strand, the complement: AGAP2 is on the minus strand). VCF-style: chr12-57737080-A-G. GRCh37 (hg19) VCF-style: chr12-58130863-A-G.
Other names: c.161-1653T>C (NM_014770.4).
Identifiers: ClinVar variation 2643149 (VCV002643149.24), dbSNP rs969989188, ClinGen allele CA237834907.
Genomic context (GRCh38, chr12:57,737,080, plus strand): 5'-CCAAGCTGAGCATTCCAGGTACCCTTCCCTCCCTGTTCTCAAGCCCTGACTCAACTCACT[A>G]GGGGAAGCGCGGAGCTCGGCGCCCAGCAGCTCCCTGGACCCGCTGCCAGAAGACAGGCTG-3'
Protein context (NP_001116244.1, residues 379-399): ELLGAELRAS[Pro389=]KAVINSQEWT

ClinVar aggregate classification (germline): Likely benign (1 of 4 stars; one submission).

Allele frequency attached by ClinVar (database versions not stated): gnomAD 0.00001; gnomAD exomes 0.00001; TOPMed 0.00001.

Submission:

CeGaT Center for Human Genetics Tuebingen
Classification: Likely benign. Last evaluated: 2022-03-01. Review status: criteria provided, single submitter. Criteria: CeGaT Center For Human Genetics Tuebingen Variant Classification Criteria Version 2. Collection method: clinical testing. Allele origin: germline. Affected: yes. Observed: 1 variant allele.
Comment: AGAP2: BP4, BP7